The following is an entry in ClinVar:

NM_001372051.1(CASP8):c.799G>A (p.Ala267Thr)

Gene: CASP8 (caspase 8; plus strand). Cytogenetic location: 2q33.1.
Variant type: single nucleotide variant.
Coding change: c.799G>A on transcript NM_001372051.1 (MANE Select); coding-DNA position 799, G replaced by A.
Protein change: p.Ala267Thr; replaces alanine 267 with threonine.
Molecular consequence: missense variant. On other transcripts: 3 prime UTR variant (1), non-coding transcript variant (21), intron variant (4).
Genome position (GRCh38, 1-based): chr2:201,276,965, G>A. VCF-style: chr2-201276965-G-A. GRCh37 (hg19) VCF-style: chr2-202141688-G-A.
Other names: c.754G>A, p.Ala252Thr (NM_001080124.2, NM_001400658.1, NM_001400659.1 and 5 more transcripts); c.976G>A, p.Ala326Thr (NM_001080125.2); c.850G>A, p.Ala284Thr (NM_001228.5); c.931G>A, p.Ala311Thr (NM_001400642.1); c.832G>A, p.Ala278Thr (NM_001400645.1); c.799G>A, p.Ala267Thr (NM_001400648.1, NM_001400651.1, NM_001400653.1 and 6 more transcripts); c.730G>A, p.Ala244Thr (NM_001400664.1); c.490G>A, p.Ala164Thr (NM_001400669.1); and 7 more; short protein forms A284T, A326T, A267T, A252T, A164T, A244T, A278T, A311T.
Identifiers: ClinVar variation 1486624 (VCV001486624.8), dbSNP rs2125321684, ClinGen allele CA350294791.

ClinVar aggregate classification (germline): Uncertain significance (1 of 4 stars; one submission).

Conditions:
Autoimmune lymphoproliferative syndrome type 2B. Also called: AUTOIMMUNE LYMPHOPROLIFERATIVE SYNDROME, TYPE IIB. Identifiers: Orphanet 275517, MedGen C1846545, MONDO:0011804, OMIM 607271.

Submission:

Labcorp Genetics (formerly Invitae), Labcorp
Classification: Uncertain significance for Autoimmune lymphoproliferative syndrome type 2B. Last evaluated: 2021-03-24. Review status: criteria provided, single submitter. Criteria: Invitae Variant Classification Sherloc (09022015). Collection method: clinical testing. Allele origin: germline.
Comment: This variant has not been reported in the literature in individuals with CASP8-related conditions. In summary, the available evidence is currently insufficient to determine the role of this variant in disease. Therefore, it has been classified as a Variant of Uncertain Significance. Algorithms developed to predict the effect of missense changes on protein structure and function (SIFT, PolyPhen-2, Align-GVGD) all suggest that this variant is likely to be tolerated, but these predictions have not been confirmed by published functional studies and their clinical significance is uncertain. This variant is not present in population databases (ExAC no frequency). This sequence change replaces alanine with threonine at codon 284 of the CASP8 protein (p.Ala284Thr). The alanine residue is moderately conserved and there is a small physicochemical difference between alanine and threonine.